The following is an entry in ClinVar:

ClinVar aggregate classification (germline): Uncertain significance (1 of 4 stars; one submission).

Conditions:
Bethlem myopathy 1A. Also called: MYOPATHY, BENIGN CONGENITAL, WITH CONTRACTURES; Bethlem myopathy 1; Bethlem Muscular Dystrophy. Identifiers: Orphanet 610, MedGen CN029274, MONDO:0024530, OMIM 158810.

Submission:

Labcorp Genetics (formerly Invitae), Labcorp
Classification: Uncertain significance for Bethlem myopathy 1A. Last evaluated: 2024-10-21. Review status: criteria provided, single submitter. Criteria: Invitae Variant Classification Sherloc (09022015). Collection method: clinical testing. Allele origin: germline.
Comment: This sequence change replaces isoleucine, which is neutral and non-polar, with methionine, which is neutral and non-polar, at codon 232 of the COL6A1 protein (p.Ile232Met). This variant is not present in population databases (gnomAD no frequency). This variant has not been reported in the literature in individuals affected with COL6A1-related conditions. Invitae Evidence Modeling of protein sequence and biophysical properties (such as structural, functional, and spatial information, amino acid conservation, physicochemical variation, residue mobility, and thermodynamic stability) indicates that this missense variant is not expected to disrupt COL6A1 protein function with a negative predictive value of 95%. In summary, the available evidence is currently insufficient to determine the role of this variant in disease. Therefore, it has been classified as a Variant of Uncertain Significance.

NM_001848.3(COL6A1):c.696C>G (p.Ile232Met)

Gene: COL6A1 (collagen type VI alpha 1 chain; plus strand). Cytogenetic location: 21q22.3.
Variant type: single nucleotide variant.
Coding change: c.696C>G on transcript NM_001848.3 (MANE Select); coding-DNA position 696, C replaced by G.
Protein change: p.Ile232Met; replaces isoleucine 232 with methionine.
Molecular consequence: missense variant.
Genome position (GRCh38, 1-based): chr21:45,987,051, C>G. VCF-style: chr21-45987051-C-G. GRCh37 (hg19) VCF-style: chr21-47406965-C-G.
Other names: short protein forms I232M.
Identifiers: ClinVar variation 3670488 (VCV003670488.2).